The following is an entry in ClinVar:

ClinVar aggregate classification (germline): Uncertain significance (1 of 4 stars; one submission).

Submission:

Labcorp Genetics (formerly Invitae), Labcorp
Classification: Uncertain significance. Last evaluated: 2025-01-26. Review status: criteria provided, single submitter. Criteria: Invitae Variant Classification Sherloc (09022015). Collection method: clinical testing. Allele origin: germline.
Comment: This sequence change replaces isoleucine, which is neutral and non-polar, with methionine, which is neutral and non-polar, at codon 88 of the POLE2 protein (p.Ile88Met). This variant is not present in population databases (gnomAD no frequency). This variant has not been reported in the literature in individuals affected with POLE2-related conditions. An algorithm developed to predict the effect of missense changes on protein structure and function (PolyPhen-2) suggests that this variant is likely to be disruptive. In summary, the available evidence is currently insufficient to determine the role of this variant in disease. Therefore, it has been classified as a Variant of Uncertain Significance.

NM_002692.4(POLE2):c.264C>G (p.Ile88Met)

Gene: POLE2 (DNA polymerase epsilon 2, accessory subunit; minus strand). Cytogenetic location: 14q21.3.
Variant type: single nucleotide variant.
Coding change: c.264C>G on transcript NM_002692.4 (MANE Select); coding-DNA position 264, C replaced by G.
Protein change: p.Ile88Met; replaces isoleucine 88 with methionine.
Molecular consequence: missense variant. On other transcripts: intron variant (1).
Genome position (GRCh38, 1-based): chr14:49,674,409, G>C on the plus strand (C>G on the coding strand, the complement: POLE2 is on the minus strand). VCF-style: chr14-49674409-G-C. GRCh37 (hg19) VCF-style: chr14-50141127-G-C.
Other names: c.264C>G, p.Ile88Met (NM_001197331.3, NM_001348384.2); c.33C>G, p.Ile11Met (NM_001348385.2); c.246-193C>G (NM_001197330.2); short protein forms I11M, I88M.
Identifiers: ClinVar variation 3610326 (VCV003610326.2).